The following is an entry in ClinVar:

NM_001041.4(SI):c.4554T>G (p.Phe1518Leu)

Gene: SI (sucrase-isomaltase; minus strand). Cytogenetic location: 3q26.1.
Variant type: single nucleotide variant.
Coding change: c.4554T>G on transcript NM_001041.4 (MANE Select); coding-DNA position 4554, T replaced by G.
Protein change: p.Phe1518Leu; replaces phenylalanine 1518 with leucine.
Molecular consequence: missense variant.
Genome position (GRCh38, 1-based): chr3:164,996,759, A>C on the plus strand (T>G on the coding strand, the complement: SI is on the minus strand). VCF-style: chr3-164996759-A-C. GRCh37 (hg19) VCF-style: chr3-164714547-A-C.
Other names: short protein forms F1518L.
Identifiers: ClinVar variation 2413648 (VCV002413648.6), dbSNP rs1718030585, ClinGen allele CA355030026.

ClinVar aggregate classification (germline): Uncertain significance (1 of 4 stars; one submission).

Allele frequency attached by ClinVar (database versions not stated): gnomAD exomes below 0.00001; TOPMed below 0.00001.
gnomAD v4.1: 1 of 1,052,296 alleles (0.000095%); highest among the groups gnomAD compares: Non-Finnish European, 0.00014%; no homozygotes.

Submission:

Labcorp Genetics (formerly Invitae), Labcorp
Classification: Uncertain significance. Last evaluated: 2024-11-04. Review status: criteria provided, single submitter. Criteria: Invitae Variant Classification Sherloc (09022015). Collection method: clinical testing. Allele origin: germline.
Comment: This sequence change replaces phenylalanine, which is neutral and non-polar, with leucine, which is neutral and non-polar, at codon 1518 of the SI protein (p.Phe1518Leu). This variant is not present in population databases (gnomAD no frequency). This variant has not been reported in the literature in individuals affected with SI-related conditions. ClinVar contains an entry for this variant (Variation ID: 2413648). Invitae Evidence Modeling of protein sequence and biophysical properties (such as structural, functional, and spatial information, amino acid conservation, physicochemical variation, residue mobility, and thermodynamic stability) has been performed for this missense variant. However, the output from this modeling did not meet the statistical confidence thresholds required to predict the impact of this variant on SI protein function. In summary, the available evidence is currently insufficient to determine the role of this variant in disease. Therefore, it has been classified as a Variant of Uncertain Significance.